The following is an entry in ClinVar:

ClinVar aggregate classification (germline): Benign (1 of 4 stars; one submission).

Allele frequency attached by ClinVar (database versions not stated): 1000 Genomes Project 0.06230; ESP Exome Variant Server 0.05875; 1000 Genomes Project 30x 0.06793; TOPMed 0.06420.
gnomAD v4.1: 16,470 of 1,533,716 alleles (1.1%); highest among the groups gnomAD compares: African/African-American, 20%; 1,488 homozygotes.

Submission:

GeneDx
Classification: Benign. Last evaluated: 2018-06-16. Review status: criteria provided, single submitter. Criteria: GeneDx Variant Classification (06012015). Collection method: clinical testing. Allele origin: germline. Affected: yes.
Comment: This variant is considered likely benign or benign based on one or more of the following criteria: it is a conservative change, it occurs at a poorly conserved position in the protein, it is predicted to be benign by multiple in silico algorithms, and/or has population frequency not consistent with disease.

NM_032119.4(ADGRV1):c.11122-24C>T

Gene: ADGRV1 (adhesion G protein-coupled receptor V1; plus strand). Cytogenetic location: 5q14.3.
Variant type: single nucleotide variant.
Coding change: c.11122-24C>T on transcript NM_032119.4 (MANE Select); 24 bases into the intron before coding-DNA position 11122, C replaced by T.
Molecular consequence: intron variant.
Genome position (GRCh38, 1-based): chr5:90,753,550, C>T. VCF-style: chr5-90753550-C-T. GRCh37 (hg19) VCF-style: chr5-90049367-C-T.
Identifiers: ClinVar variation 676658 (VCV000676658.1), dbSNP rs80057006, ClinGen allele CA3340911.